The following is an entry in ClinVar:

ClinVar aggregate classification (germline): Uncertain significance (1 of 4 stars; one submission).

Conditions:
Tuberous sclerosis 2 (TSC2). Identifiers: Orphanet 805, MedGen C1860707, MONDO:0013199, OMIM 613254.

Submission:

Labcorp Genetics (formerly Invitae), Labcorp
Classification: Uncertain significance for Tuberous sclerosis 2. Last evaluated: 2021-04-13. Review status: criteria provided, single submitter. Criteria: Invitae Variant Classification Sherloc (09022015). Collection method: clinical testing. Allele origin: germline.
Comment: This variant has not been reported in the literature in individuals with TSC2-related conditions. In summary, the available evidence is currently insufficient to determine the role of this variant in disease. Therefore, it has been classified as a Variant of Uncertain Significance. Advanced modeling of protein sequence and biophysical properties (such as structural, functional, and spatial information, amino acid conservation, physicochemical variation, residue mobility, and thermodynamic stability) performed at Invitae indicates that this missense variant is not expected to disrupt TSC2 protein function. This variant is not present in population databases (ExAC no frequency). This sequence change replaces serine with cysteine at codon 735 of the TSC2 protein (p.Ser735Cys). The serine residue is moderately conserved and there is a moderate physicochemical difference between serine and cysteine.

NM_000548.5(TSC2):c.2204C>G (p.Ser735Cys)

Gene: TSC2 (TSC complex subunit 2; plus strand). Cytogenetic location: 16p13.3.
Variant type: single nucleotide variant.
Coding change: c.2204C>G on transcript NM_000548.5 (MANE Select); coding-DNA position 2204, C replaced by G.
Protein change: p.Ser735Cys; replaces serine 735 with cysteine.
Molecular consequence: missense variant.
Genome position (GRCh38, 1-based): chr16:2,072,347, C>G. VCF-style: chr16-2072347-C-G. GRCh37 (hg19) VCF-style: chr16-2122348-C-G.
Other names: c.2204C>G, p.Ser735Cys (NM_001077183.3, NM_001114382.3, NM_001363528.2 and 3 more transcripts); c.2093C>G, p.Ser698Cys (NM_001318827.2); c.2057C>G, p.Ser686Cys (NM_001318829.2); c.1604C>G, p.Ser535Cys (NM_001318831.2); c.2237C>G, p.Ser746Cys (NM_001318832.2); short protein forms S535C, S735C, S686C, S698C, S746C.
Identifiers: ClinVar variation 1461015 (VCV001461015.8), dbSNP rs1596347589, ClinGen allele CA394275092.